The following is an entry in ClinVar:

NM_000037.4(ANK1):c.325C>T (p.Gln109Ter)

Gene: ANK1 (ankyrin 1; minus strand). Cytogenetic location: 8p11.21.
Variant type: single nucleotide variant.
Coding change: c.325C>T on transcript NM_000037.4 (MANE Select); coding-DNA position 325, C replaced by T.
Protein change: p.Gln109Ter; replaces glutamine 109 with a stop codon.
Molecular consequence: nonsense.
Genome position (GRCh38, 1-based): chr8:41,727,910, G>A on the plus strand (C>T on the coding strand, the complement: ANK1 is on the minus strand). VCF-style: chr8-41727910-G-A. GRCh37 (hg19) VCF-style: chr8-41585428-G-A.
Other names: c.424C>T, p.Gln142Ter (NM_001142446.2); c.325C>T, p.Gln109Ter (NM_020475.3, NM_020476.3, NM_020477.3); short protein forms Q142*, Q109*.
Identifiers: ClinVar variation 2920827 (VCV002920827.1), dbSNP rs2487001941, ClinGen allele CA371046508.

ClinVar aggregate classification (germline): Pathogenic (1 of 4 stars; one submission).

Conditions:
Hereditary spherocytosis type 1. Also called: Spherocytosis type 1; ANK1-Related Spherocytosis. Identifiers: Orphanet 822, MedGen C2674218, MONDO:0008447, OMIM 182900.

Submission:

ARUP Laboratories, Molecular Genetics and Genomics, ARUP Laboratories
Classification: Pathogenic for Hereditary spherocytosis type 1. Last evaluated: 2023-11-17. Review status: criteria provided, single submitter. Criteria: ARUP Molecular Germline Variant Investigation Process 2024. Collection method: clinical testing. Allele origin: germline.
Comment: The ANK1 c.325C>T; p.Gln109Ter variant is reported as a presumed de novo variant in the literature in one individual affected with severe hereditary spherocytosis (Liu 2017). This variant is absent from the Genome Aggregation Database (v2.1.1), indicating it is not a common polymorphism. This variant induces an early termination codon and is predicted to result in a truncated protein or mRNA subject to nonsense-mediated decay. Based on available information, this variant is considered to be pathogenic. REFERENCES Liu S et al. A de novo ankyrin mutation (ANK1 Q109X) causing severe hereditary spherocytosis from preterm neonatal period. Ann Hematol. 2017 Jun. PMID: 28280995